The following is an entry in ClinVar:

NM_201525.4(ADGRG1):c.1793A>G (p.Gln598Arg)

Gene: ADGRG1 (adhesion G protein-coupled receptor G1; plus strand). Cytogenetic location: 16q21.
Variant type: single nucleotide variant.
Coding change: c.1793A>G on transcript NM_201525.4 (MANE Select); coding-DNA position 1793, A replaced by G.
Protein change: p.Gln598Arg; replaces glutamine 598 with arginine.
Molecular consequence: missense variant.
Genome position (GRCh38, 1-based): chr16:57,661,825, A>G. VCF-style: chr16-57661825-A-G. GRCh37 (hg19) VCF-style: chr16-57695737-A-G.
Other names: c.1793A>G, p.Gln598Arg (NM_001145770.3, NM_001145772.3, NM_001145774.3 and 7 more transcripts); c.1811A>G, p.Gln604Arg (NM_001145771.3, NM_001370428.1, NM_001370429.1 and 4 more transcripts); c.1808A>G, p.Gln603Arg (NM_001145773.3, NM_001370433.1, NM_001370434.1); c.1301A>G, p.Gln434Arg (NM_001290142.2); c.1286A>G, p.Gln429Arg (NM_001290143.2); c.1268A>G, p.Gln423Arg (NM_001290144.2, NM_001370451.1, NM_001370453.1 and 1 more transcripts); c.1790A>G, p.Gln597Arg (NM_001370441.1); c.1637A>G, p.Gln546Arg (NM_001370442.1); short protein forms Q434R, Q546R, Q598R, Q603R, Q429R, Q597R, Q423R, Q604R.
Identifiers: ClinVar variation 1905114 (VCV001905114.2), dbSNP rs1285071085, ClinGen allele CA396053629.

ClinVar aggregate classification (germline): Uncertain significance (1 of 4 stars; one submission).

Allele frequency attached by ClinVar (database versions not stated): gnomAD exomes below 0.00001.
gnomAD v4.1: 2 of 1,614,198 alleles (0.00012%); highest among the groups gnomAD compares: Admixed American, 0.0017%; no homozygotes.

Submission:

Labcorp Genetics (formerly Invitae), Labcorp
Classification: Uncertain significance. Last evaluated: 2022-08-20. Review status: criteria provided, single submitter. Criteria: Invitae Variant Classification Sherloc (09022015). Collection method: clinical testing. Allele origin: germline.
Comment: This sequence change replaces glutamine, which is neutral and polar, with arginine, which is basic and polar, at codon 604 of the ADGRG1 protein (p.Gln604Arg). This variant is present in population databases (no rsID available, gnomAD 0.003%). This variant has not been reported in the literature in individuals affected with ADGRG1-related conditions. Advanced modeling of protein sequence and biophysical properties (such as structural, functional, and spatial information, amino acid conservation, physicochemical variation, residue mobility, and thermodynamic stability) performed at Invitae indicates that this missense variant is not expected to disrupt ADGRG1 protein function. In summary, the available evidence is currently insufficient to determine the role of this variant in disease. Therefore, it has been classified as a Variant of Uncertain Significance.